The following is an entry in ClinVar:

NM_001122630.2(CDKN1C):c.383TCCCGG[1] (p.128VP[1])

Gene: CDKN1C (cyclin dependent kinase inhibitor 1C; minus strand). Cytogenetic location: 11p15.4.
Variant type: Microsatellite.
Coding change: c.383TCCCGG[1] on transcript NM_001122630.2 (MANE Select); one copy of the 6-base unit TCCCGG starting at c.383; the reference has two copies in a row; one copy, 6 bases deleted; also written c.389_394del.
Protein change: p.128VP[1].
Molecular consequence: inframe deletion. On other transcripts: intron variant (1).
Genome position (GRCh38, 1-based): chr11:2,885,063-2,885,068, CCGGGA deleted on the plus strand (TCCCGG on the coding strand, the reverse complement: CDKN1C is on the minus strand); deleting any 6 consecutive bases within chr11:2,885,063-2,885,075 gives the same sequence; the position shown is the placement nearest the transcript's 3' end. VCF-style (leftmost placement, unchanged base first): chr11-2885062-GCCGGGA-G. GRCh37 (hg19) VCF-style: chr11-2906292-GCCGGGA-G.
Other names: c.416TCCCGG[1], p.139VP[1] (NM_000076.2, NM_001362474.2); c.383TCCCGG[1], p.128VP[1] (NM_001122631.2); c.255+134_255+139del (NM_001362475.2); c.389_394del (NM_001122630.2).
Identifiers: ClinVar variation 1343282 (VCV001343282.4), dbSNP rs1848956788, ClinGen allele CA2580615618.

ClinVar aggregate classification (germline): Uncertain significance. Review status: criteria provided, multiple submitters, no conflicts (2 of 4 stars). 2 submissions from 2 submitters: Uncertain significance (2). Last evaluated 2022-12-24.

Conditions:
Beckwith-Wiedemann syndrome (BWS). Also called: Exomphalos macroglossia gigantism syndrome; EMG SYNDROME. Identifiers: Orphanet 116, MedGen C0004903, MONDO:0007534, OMIM 130650.

Submissions (2):

Labcorp Genetics (formerly Invitae), Labcorp
Classification: Uncertain significance for Beckwith-Wiedemann syndrome. Last evaluated: 2022-12-24. Review status: criteria provided, single submitter. Criteria: Invitae Variant Classification Sherloc (09022015). Collection method: clinical testing. Allele origin: germline.
Comment: This variant, c.422_427del, results in the deletion of 2 amino acid(s) of the CDKN1C protein (p.Val141_Pro142del), but otherwise preserves the integrity of the reading frame. This variant is not present in population databases (gnomAD no frequency). This variant has not been reported in the literature in individuals affected with CDKN1C-related conditions. Experimental studies and prediction algorithms are not available or were not evaluated, and the functional significance of this variant is currently unknown. In summary, the available evidence is currently insufficient to determine the role of this variant in disease. Therefore, it has been classified as a Variant of Uncertain Significance.

Institute of Human Genetics, Clinical Exome/Genome Diagnostics Group, University Hospital Bonn
Classification: Uncertain significance. Last evaluated: 2022-01-24. Review status: criteria provided, single submitter. Criteria: ACMG Guidelines, 2015. Collection method: clinical testing. Allele origin: germline. Affected: yes.
Comment: PM2, PM4